The following is an entry in ClinVar:

ClinVar aggregate classification (germline): Uncertain significance (1 of 4 stars; one submission).

gnomAD v4.1: 6 of 1,510,478 alleles (0.0004%); highest among the groups gnomAD compares: African/African-American, 0.0014%; no homozygotes.

Submission:

GeneDx
Classification: Uncertain significance. Last evaluated: 2019-09-03. Review status: criteria provided, single submitter. Criteria: GeneDx Variant Classification Process June 2021. Collection method: clinical testing. Allele origin: germline. Affected: yes.
Comment: Not observed in large population cohorts (Lek et al., 2016); In silico analysis, which includes protein predictors and evolutionary conservation, supports a deleterious effect; Has not been previously published as pathogenic or benign to our knowledge

NM_005585.5(SMAD6):c.788C>G (p.Pro263Arg)

Gene: SMAD6 (SMAD family member 6; plus strand). Cytogenetic location: 15q22.31.
Variant type: single nucleotide variant.
Coding change: c.788C>G on transcript NM_005585.5 (MANE Select); coding-DNA position 788, C replaced by G.
Protein change: p.Pro263Arg; replaces proline 263 with arginine.
Molecular consequence: missense variant. On other transcripts: non-coding transcript variant (1).
Genome position (GRCh38, 1-based): chr15:66,704,046, C>G. VCF-style: chr15-66704046-C-G. GRCh37 (hg19) VCF-style: chr15-66996384-C-G.
Other names: short protein forms P263R.
Identifiers: ClinVar variation 1318529 (VCV001318529.2), dbSNP rs765573567, ClinGen allele CA271683566.